The following is an entry in ClinVar:

ClinVar aggregate classification (germline): Uncertain significance. Review status: criteria provided, multiple submitters, no conflicts (2 of 4 stars). 2 submissions from 2 submitters: Uncertain significance (2). Last evaluated 2026-06-07.

Conditions:
SLC22A4-related disorder. Also called: SLC22A4-related condition.

gnomAD v4.1: 11 of 1,613,520 alleles (0.00068%); highest among the groups gnomAD compares: African/African-American, 0.011%; no homozygotes.

Submissions (2):

PreventionGenetics, part of Exact Sciences
Classification: Uncertain significance for SLC22A4-related condition. Last evaluated: 2026-06-07. Review status: criteria provided, single submitter. Criteria: ACMG Guidelines, 2015. Collection method: clinical testing. Allele origin: germline.
Comment: The SLC22A4 c.158C>T variant is predicted to result in the amino acid substitution p.Pro53Leu. To our knowledge, this variant has not been reported in the literature. This variant is reported in 0.016% of alleles in individuals of African descent in gnomAD. At this time, the clinical significance of this variant is uncertain due to the absence of conclusive functional and genetic evidence.

Blueprint Genetics
Classification: Uncertain significance. Last evaluated: 2020-04-20. Review status: criteria provided, single submitter. Criteria: ACMG Guidelines, 2015. Collection method: clinical testing. Allele origin: germline.

NM_003059.3(SLC22A4):c.158C>T (p.Pro53Leu)

Gene: SLC22A4 (solute carrier family 22 member 4; plus strand). Cytogenetic location: 5q31.1.
Variant type: single nucleotide variant.
Coding change: c.158C>T on transcript NM_003059.3 (MANE Select); coding-DNA position 158, C replaced by T.
Protein change: p.Pro53Leu; replaces proline 53 with leucine.
Molecular consequence: missense variant.
Genome position (GRCh38, 1-based): chr5:132,294,774, C>T. VCF-style: chr5-132294774-C-T. GRCh37 (hg19) VCF-style: chr5-131630467-C-T.
Other names: c.158C>T (NM_003059.2); short protein forms P53L.
Identifiers: ClinVar variation 4972017 (VCV004972017.2).